The following is an entry in ClinVar:

NM_001278512.2(AP3B2):c.2469G>C (p.Lys823Asn)

Genes: AP3B2 (adaptor related protein complex 3 subunit beta 2; minus strand), CPEB1-AS1 (CPEB1 antisense RNA 1; plus strand). Cytogenetic location: 15q25.2.
Variant type: single nucleotide variant.
Coding change: c.2469G>C on transcript NM_001278512.2 (MANE Select); coding-DNA position 2469, G replaced by C.
Protein change: p.Lys823Asn; replaces lysine 823 with asparagine.
Molecular consequence: missense variant.
Genome position (GRCh38, 1-based): chr15:82,663,588, C>G on the plus strand (G>C on the coding strand, the complement: AP3B2 is on the minus strand). VCF-style: chr15-82663588-C-G. GRCh37 (hg19) VCF-style: chr15-83332340-C-G.
Other names: c.2316G>C, p.Lys772Asn (NM_001278511.2); c.2412G>C, p.Lys804Asn (NM_004644.5); short protein forms K804N, K823N, K772N.
Identifiers: ClinVar variation 1376809 (VCV001376809.8), dbSNP rs2151428350, ClinGen allele CA393310161.

ClinVar aggregate classification (germline): Uncertain significance (1 of 4 stars; one submission).

Submission:

Labcorp Genetics (formerly Invitae), Labcorp
Classification: Uncertain significance. Last evaluated: 2021-03-04. Review status: criteria provided, single submitter. Criteria: Invitae Variant Classification Sherloc (09022015). Collection method: clinical testing. Allele origin: germline.
Comment: In summary, the available evidence is currently insufficient to determine the role of this variant in disease. Therefore, it has been classified as a Variant of Uncertain Significance. Algorithms developed to predict the effect of missense changes on protein structure and function (SIFT, PolyPhen-2, Align-GVGD) all suggest that this variant is likely to be tolerated, but these predictions have not been confirmed by published functional studies and their clinical significance is uncertain. This variant has not been reported in the literature in individuals with AP3B2-related conditions. This variant is not present in population databases (ExAC no frequency). This sequence change replaces lysine with asparagine at codon 804 of the AP3B2 protein (p.Lys804Asn). The lysine residue is weakly conserved and there is a moderate physicochemical difference between lysine and asparagine.